The following is an entry in ClinVar:

NM_000937.5(POLR2A):c.475G>A (p.Glu159Lys)

Gene: POLR2A (RNA polymerase II subunit A; plus strand). Cytogenetic location: 17p13.1.
Variant type: single nucleotide variant.
Coding change: c.475G>A on transcript NM_000937.5 (MANE Select); coding-DNA position 475, G replaced by A.
Protein change: p.Glu159Lys; replaces glutamic acid 159 with lysine.
Molecular consequence: missense variant.
Genome position (GRCh38, 1-based): chr17:7,496,551, G>A. VCF-style: chr17-7496551-G-A. GRCh37 (hg19) VCF-style: chr17-7399870-G-A.
Other names: short protein forms E159K.
Identifiers: ClinVar variation 3342656 (VCV003342656.1).

ClinVar aggregate classification (germline): Uncertain significance (1 of 4 stars; one submission).

Submission:

GeneDx
Classification: Uncertain significance. Last evaluated: 2024-02-08. Review status: criteria provided, single submitter. Criteria: GeneDx Variant Classification Process June 2021. Collection method: clinical testing. Allele origin: germline. Affected: yes.
Comment: Not observed at significant frequency in large population cohorts (gnomAD); In silico analysis supports that this missense variant has a deleterious effect on protein structure/function; Has not been previously published as pathogenic or benign to our knowledge